The following is an entry in ClinVar:

NM_001371986.1(UNC80):c.2636G>A (p.Gly879Glu)

Gene: UNC80 (unc-80 subunit of NALCN channel complex; plus strand). Cytogenetic location: 2q34.
Variant type: single nucleotide variant.
Coding change: c.2636G>A on transcript NM_001371986.1 (MANE Select); coding-DNA position 2636, G replaced by A.
Protein change: p.Gly879Glu; replaces glycine 879 with glutamic acid.
Molecular consequence: missense variant.
Genome position (GRCh38, 1-based): chr2:209,831,452, G>A. VCF-style: chr2-209831452-G-A. GRCh37 (hg19) VCF-style: chr2-210696176-G-A.
Other names: c.2636G>A, p.Gly879Glu (NM_032504.2); c.2621G>A, p.Gly874Glu (NM_182587.4); short protein forms G879E, G874E.
Identifiers: ClinVar variation 3640071 (VCV003640071.2).

ClinVar aggregate classification (germline): Uncertain significance (1 of 4 stars; one submission).

Submission:

Labcorp Genetics (formerly Invitae), Labcorp
Classification: Uncertain significance. Last evaluated: 2024-11-05. Review status: criteria provided, single submitter. Criteria: Invitae Variant Classification Sherloc (09022015). Collection method: clinical testing. Allele origin: germline.
Comment: This sequence change replaces glycine, which is neutral and non-polar, with glutamic acid, which is acidic and polar, at codon 879 of the UNC80 protein (p.Gly879Glu). This variant is not present in population databases (gnomAD no frequency). This variant has not been reported in the literature in individuals affected with UNC80-related conditions. An algorithm developed to predict the effect of missense changes on protein structure and function (PolyPhen-2) suggests that this variant is likely to be disruptive. In summary, the available evidence is currently insufficient to determine the role of this variant in disease. Therefore, it has been classified as a Variant of Uncertain Significance.